The following is an entry in ClinVar:

ClinVar aggregate classification (germline): Likely pathogenic (1 of 4 stars; one submission).

Conditions:
Dilated cardiomyopathy 1G (CMD1G). Identifiers: Orphanet 154, MedGen C1858763, MONDO:0011400, OMIM 604145.
Autosomal recessive limb-girdle muscular dystrophy type 2J (LGMDR10). Also called: Limb-girdle muscular dystrophy, type 2J; MUSCULAR DYSTROPHY, LIMB-GIRDLE, AUTOSOMAL RECESSIVE 10. Identifiers: Orphanet 140922, MedGen C1837342, MONDO:0012127, OMIM 608807.

Submission:

Labcorp Genetics (formerly Invitae), Labcorp
Classification: Likely pathogenic for Dilated cardiomyopathy 1G; Autosomal recessive limb-girdle muscular dystrophy type 2J. Last evaluated: 2025-01-02. Review status: criteria provided, single submitter. Criteria: Invitae Variant Classification Sherloc (09022015). Collection method: clinical testing. Allele origin: germline.
Comment: This sequence change creates a premature translational stop signal (p.Lys26303Asnfs*4) in the TTN gene. While this is not anticipated to result in nonsense mediated decay, it is expected to create a truncated TTN protein. This variant is not present in population databases (gnomAD no frequency). This premature translational stop signal has been observed in individual(s) with dilated cardiomyopathy (PMID: 32998006). This variant is located in the A band of TTN (PMID: 25589632). Truncating variants in this region are significantly overrepresented in patients affected with dilated cardiomyopathy (PMID: 25589632). Truncating variants in this region have also been reported in individuals affected with autosomal recessive centronuclear myopathy (PMID: 23975875). In summary, the currently available evidence indicates that the variant is pathogenic, but additional data are needed to prove that conclusively. Therefore, this variant has been classified as Likely Pathogenic.

Literature cited by the submitters: PubMed 32998006; PubMed 25589632; PubMed 23975875.

NM_001267550.2(TTN):c.78909del (p.Lys26303fs)

Genes: TTN-AS1 (TTN antisense RNA 1; plus strand), TTN (titin; minus strand). Cytogenetic location: 2q31.2.
Variant type: Deletion.
Coding change: c.78909del on transcript NM_001267550.2 (MANE Select); coding-DNA position 78909, one base deleted (A; older notation c.78909delA).
Protein change: p.Lys26303fs; shifts the reading frame from lysine 26303.
Molecular consequence: frameshift variant.
Genome position (GRCh38, 1-based): chr2:178,567,223, T deleted on the plus strand (A on the coding strand, the reverse complement: TTN is on the minus strand); the first of 5 consecutive T bases (chr2:178,567,223-178,567,227); deleting any one gives the same sequence. VCF-style (leftmost placement, unchanged base first): chr2-178567222-AT-A. GRCh37 (hg19) VCF-style: chr2-179431949-AT-A.
Other names: c.73986del, p.Lys24662fs (NM_001256850.1); c.51714del, p.Lys17238fs (NM_003319.4); c.71205del, p.Lys23735fs (NM_133378.4); c.52089del, p.Lys17363fs (NM_133432.3); c.52290del, p.Lys17430fs (NM_133437.4); short protein forms K17238fs, K17363fs, K17430fs, K23735fs, K24662fs, K26303fs.
Identifiers: ClinVar variation 3749621 (VCV003749621.2).